The following is an entry in ClinVar:

NM_001165963.4(SCN1A):c.5872G>A (p.Asp1958Asn)

Genes: SCN1A (sodium voltage-gated channel alpha subunit 1; minus strand), LOC102724058 (uncharacterized LOC102724058; plus strand). Cytogenetic location: 2q24.3.
Variant type: single nucleotide variant.
Coding change: c.5872G>A on transcript NM_001165963.4 (MANE Select); coding-DNA position 5872, G replaced by A.
Protein change: p.Asp1958Asn; replaces aspartic acid 1958 with asparagine.
Molecular consequence: missense variant. On other transcripts: non-coding transcript variant (1).
Genome position (GRCh38, 1-based): chr2:165,991,403, C>T on the plus strand (G>A on the coding strand, the complement: SCN1A is on the minus strand). VCF-style: chr2-165991403-C-T. GRCh37 (hg19) VCF-style: chr2-166847913-C-T.
Other names: c.5836G>A, p.Asp1946Asn (NM_001353955.2, NM_001353954.2); c.5788G>A, p.Asp1930Asn (NM_001353957.2, NM_001353958.2, NM_001165964.3); c.5785G>A, p.Asp1929Asn (NM_001353960.2); c.3430G>A, p.Asp1144Asn (NM_001353961.2); c.5839G>A, p.Asp1947Asn (NM_006920.6, NM_001353949.2, NM_001353950.2 and 2 more transcripts); c.5872G>A, p.Asp1958Asn (NM_001202435.3, NM_001353948.2); short protein forms D1958N, D1929N, D1947N, D1144N, D1930N, D1946N.
Identifiers: ClinVar variation 2959868 (VCV002959868.3), dbSNP rs1361885748, ClinGen allele CA349063399.

ClinVar aggregate classification (germline): Uncertain significance (1 of 4 stars; one submission).

Conditions:
Early-infantile DEE. Also called: Early infantile epileptic encephalopathy with suppression bursts; Early infantile epileptic encephalopathy; Ohtahara syndrome. Identifiers: Orphanet 1934, MedGen C0393706, MONDO:0800491.

Allele frequency attached by ClinVar (database versions not stated): gnomAD exomes below 0.00001.
gnomAD v4.1: 4 of 1,613,734 alleles (0.00025%); highest among the groups gnomAD compares: South Asian, 0.0033%; no homozygotes.

Submission:

Labcorp Genetics (formerly Invitae), Labcorp
Classification: Uncertain significance for Early-infantile DEE. Last evaluated: 2025-10-29. Review status: criteria provided, single submitter. Criteria: Invitae Variant Classification Sherloc (09022015). Collection method: clinical testing. Allele origin: germline.
Comment: This sequence change replaces aspartic acid, which is acidic and polar, with asparagine, which is neutral and polar, at codon 1958 of the SCN1A protein (p.Asp1958Asn). This variant is present in population databases (no rsID available, gnomAD 0.003%). This variant has not been reported in the literature in individuals affected with SCN1A-related conditions. ClinVar contains an entry for this variant (Variation ID: 2959868). Invitae Evidence Modeling of protein sequence and biophysical properties (such as structural, functional, and spatial information, amino acid conservation, physicochemical variation, residue mobility, and thermodynamic stability) indicates that this missense variant is not expected to disrupt SCN1A protein function with a negative predictive value of 95%. In summary, the available evidence is currently insufficient to determine the role of this variant in disease. Therefore, it has been classified as a Variant of Uncertain Significance.